The following is an entry in ClinVar:

NM_001065.4(TNFRSF1A):c.1247C>G (p.Ala416Gly)

Gene: TNFRSF1A (TNF receptor superfamily member 1A; minus strand). Cytogenetic location: 12p13.31.
Variant type: single nucleotide variant.
Coding change: c.1247C>G on transcript NM_001065.4 (MANE Select); coding-DNA position 1247, C replaced by G.
Protein change: p.Ala416Gly; replaces alanine 416 with glycine.
Molecular consequence: missense variant. On other transcripts: non-coding transcript variant (1).
Genome position (GRCh38, 1-based): chr12:6,329,433, G>C on the plus strand (C>G on the coding strand, the complement: TNFRSF1A is on the minus strand). VCF-style: chr12-6329433-G-C. GRCh37 (hg19) VCF-style: chr12-6438599-G-C.
Other names: c.923C>G, p.Ala308Gly (NM_001346091.2); c.788C>G, p.Ala263Gly (NM_001346092.2); short protein forms A263G, A416G, A308G.
Identifiers: ClinVar variation 3692746 (VCV003692746.2).

ClinVar aggregate classification (germline): Uncertain significance (1 of 4 stars; one submission).

Conditions:
TNF receptor-associated periodic fever syndrome (TRAPS) (FPF). Also called: FAMILIAL HIBERNIAN FEVER; TNF RECEPTOR-ASSOCIATED PERIODIC SYNDROME; TUMOR NECROSIS FACTOR RECEPTOR-ASSOCIATED PERIODIC SYNDROME; Autosomal Dominant Familial Periodic Fever; TNF Receptor-Associated Periodic Fever Syndrome; TNF receptor 1-associated periodic fever syndrome. Identifiers: Orphanet 32960, MedGen C1275126, MONDO:0007727, OMIM 142680.

gnomAD v4.1: 2 of 1,584,666 alleles (0.00013%); highest among the groups gnomAD compares: Non-Finnish European, 0.00017%; no homozygotes.

Submission:

Labcorp Genetics (formerly Invitae), Labcorp
Classification: Uncertain significance for TNF receptor-associated periodic fever syndrome (TRAPS). Last evaluated: 2024-06-20. Review status: criteria provided, single submitter. Criteria: Invitae Variant Classification Sherloc (09022015). Collection method: clinical testing. Allele origin: germline.
Comment: This sequence change replaces alanine, which is neutral and non-polar, with glycine, which is neutral and non-polar, at codon 416 of the TNFRSF1A protein (p.Ala416Gly). This variant is not present in population databases (gnomAD no frequency). This variant has not been reported in the literature in individuals affected with TNFRSF1A-related conditions. Advanced modeling of protein sequence and biophysical properties (such as structural, functional, and spatial information, amino acid conservation, physicochemical variation, residue mobility, and thermodynamic stability) performed at Invitae indicates that this missense variant is expected to disrupt TNFRSF1A protein function with a positive predictive value of 95%. In summary, the available evidence is currently insufficient to determine the role of this variant in disease. Therefore, it has been classified as a Variant of Uncertain Significance.